The following is an entry in ClinVar:

NM_000038.6(APC):c.8442G>C (p.Lys2814Asn)

Gene: APC (APC regulator of Wnt signaling pathway; plus strand). Cytogenetic location: 5q22.2.
Variant type: single nucleotide variant.
Coding change: c.8442G>C on transcript NM_000038.6 (MANE Select); coding-DNA position 8442, G replaced by C.
Protein change: p.Lys2814Asn; replaces lysine 2814 with asparagine.
Molecular consequence: missense variant.
Genome position (GRCh38, 1-based): chr5:112,844,036, G>C. VCF-style: chr5-112844036-G-C. GRCh37 (hg19) VCF-style: chr5-112179733-G-C.
Other names: c.8442G>C, p.Lys2814Asn (NM_001127510.3, NM_001354895.2); c.8388G>C, p.Lys2796Asn (NM_001127511.3); c.8496G>C, p.Lys2832Asn (NM_001354896.2); c.8472G>C, p.Lys2824Asn (NM_001354897.2); c.8367G>C, p.Lys2789Asn (NM_001354898.2); c.8358G>C, p.Lys2786Asn (NM_001354899.2); c.8319G>C, p.Lys2773Asn (NM_001354900.2); c.8265G>C, p.Lys2755Asn (NM_001354901.2); and 5 more; short protein forms K2796N, K2814N, K2531N, K2688N, K2773N, K2786N, K2789N, K2654N.
Identifiers: ClinVar variation 470142 (VCV000470142.11), dbSNP rs1267993620, ClinGen allele CA16039644.

ClinVar aggregate classification (germline): Uncertain significance. Review status: criteria provided, multiple submitters, no conflicts (2 of 4 stars). 2 submissions from 2 submitters: Uncertain significance (2). Last evaluated 2024-02-05.

Conditions:
Familial adenomatous polyposis 1 (FAP1). Also called: POLYPOSIS, ADENOMATOUS INTESTINAL; FAMILIAL ADENOMATOUS POLYPOSIS 1, ATTENUATED. Identifiers: MedGen C2713442, MONDO:0021056, OMIM 175100. Disease mechanism: loss of function.
Hereditary cancer-predisposing syndrome. Also called: Hereditary neoplastic syndrome; Neoplastic Syndromes, Hereditary; Tumor predisposition; Hereditary Cancer Syndrome. Identifiers: Orphanet 140162, MedGen C0027672, MeSH D009386, MONDO:0015356.

Submissions (2):

Labcorp Genetics (formerly Invitae), Labcorp
Classification: Uncertain significance for Familial adenomatous polyposis 1. Last evaluated: 2024-02-05. Review status: criteria provided, single submitter. Criteria: Invitae Variant Classification Sherloc (09022015). Collection method: clinical testing. Allele origin: germline.
Comment: This sequence change replaces lysine, which is basic and polar, with asparagine, which is neutral and polar, at codon 2814 of the APC protein (p.Lys2814Asn). This variant is not present in population databases (gnomAD no frequency). This variant has not been reported in the literature in individuals affected with APC-related conditions. ClinVar contains an entry for this variant (Variation ID: 470142). Advanced modeling of protein sequence and biophysical properties (such as structural, functional, and spatial information, amino acid conservation, physicochemical variation, residue mobility, and thermodynamic stability) performed at Invitae indicates that this missense variant is not expected to disrupt APC protein function with a negative predictive value of 95%. In summary, the available evidence is currently insufficient to determine the role of this variant in disease. Therefore, it has been classified as a Variant of Uncertain Significance.

Ambry Genetics
Classification: Uncertain significance for Hereditary cancer-predisposing syndrome. Last evaluated: 2023-11-04. Review status: criteria provided, single submitter. Criteria: Ambry Variant Classification Scheme 2023. Collection method: clinical testing. Allele origin: germline.
Comment: The p.K2814N variant (also known as c.8442G>C), located in coding exon 15 of the APC gene, results from a G to C substitution at nucleotide position 8442. The lysine at codon 2814 is replaced by asparagine, an amino acid with similar properties. This amino acid position is conserved. In addition, in silico predictors for this gene do not accurately predict pathogenicity. Since supporting evidence is limited at this time, the clinical significance of this alteration remains unclear.